The following is an entry in ClinVar:

NM_001042492.3(NF1):c.5167C>G (p.Gln1723Glu)

Gene: NF1 (neurofibromin 1; plus strand). Cytogenetic location: 17q11.2.
Variant type: single nucleotide variant.
Coding change: c.5167C>G on transcript NM_001042492.3 (MANE Select); coding-DNA position 5167, C replaced by G.
Protein change: p.Gln1723Glu; replaces glutamine 1723 with glutamic acid.
Molecular consequence: missense variant.
Genome position (GRCh38, 1-based): chr17:31,326,151, C>G. VCF-style: chr17-31326151-C-G. GRCh37 (hg19) VCF-style: chr17-29653169-C-G.
Other names: c.5167C>G (NM_001042492.1); c.5104C>G, p.Gln1702Glu (NM_000267.4); short protein forms Q1723E, Q1702E.
Identifiers: ClinVar variation 825451 (VCV000825451.16), dbSNP rs766727694, ClinGen allele CA8487143.
Genomic context (GRCh38, chr17:31,326,151, plus strand): 5'-AGCAAAAGGCTTGTTTTCATAGACTGTCCTGGGAAACTGGCTGAGCACATAGAGCATGAA[C>G]AACAGAAACTACCTGCTGCCACCTTGGCTTTAGAAGAGGACCTGAAGGTATTCCACAATG-3'
Protein context (NP_001035957.1, residues 1713-1733): GKLAEHIEHE[Gln1723Glu]QKLPAATLAL

ClinVar aggregate classification (germline): Conflicting classifications of pathogenicity. Review status: criteria provided, conflicting classifications (1 of 4 stars). 6 submissions from 6 submitters: Uncertain significance (5); Benign (1). Last evaluated 2026-01-12.

Conditions:
Hereditary cancer-predisposing syndrome. Also called: Neoplastic Syndromes, Hereditary; Hereditary Cancer Syndrome; Hereditary neoplastic syndrome; Tumor predisposition. Identifiers: Orphanet 140162, MedGen C0027672, MeSH D009386, MONDO:0015356.
Cardiovascular phenotype. Identifiers: MedGen CN230736.
Neurofibromatosis, type 1 (NF1). Also called: Neurofibromatosis, type I; Peripheral type neurofibromatosis; VON RECKLINGHAUSEN DISEASE; NEUROFIBROMATOSIS, TYPE I, SOMATIC. Identifiers: Orphanet 636, MedGen C0027831, MONDO:0018975, OMIM 162200. Disease mechanism: loss of function.

Allele frequency attached by ClinVar (database versions not stated): gnomAD exomes below 0.00001; ExAC 0.00001; gnomAD 0.00001.
gnomAD v4.1: 2 of 1,612,746 alleles (0.00012%); highest among the groups gnomAD compares: Non-Finnish European, 0.000085%; no homozygotes.

Submissions (6):

Labcorp Genetics (formerly Invitae), Labcorp
Classification: Benign for Neurofibromatosis, type 1. Last evaluated: 2026-01-12. Review status: criteria provided, single submitter. Criteria: Invitae Variant Classification Sherloc (09022015). Collection method: clinical testing. Allele origin: germline.

Ambry Genetics
Classification: Uncertain significance for Cardiovascular phenotype; Hereditary cancer-predisposing syndrome. Last evaluated: 2025-09-11. Review status: criteria provided, single submitter. Criteria: Ambry Variant Classification Scheme 2023. Collection method: clinical testing. Allele origin: germline.
Comment: The p.Q1702E variant (also known as c.5104C>G), located in coding exon 36 of the NF1 gene, results from a C to G substitution at nucleotide position 5104. The glutamine at codon 1702 is replaced by glutamic acid, an amino acid with highly similar properties. This amino acid position is highly conserved in available vertebrate species. In addition, this alteration is predicted to be tolerated by in silico analysis. Since supporting evidence is limited at this time, the clinical significance of this alteration remains unclear.

Institute for Biomarker Research, Medical Diagnostic Laboratories, L.L.C.
Classification: Uncertain significance for Hereditary cancer-predisposing syndrome. Last evaluated: 2024-06-11. Review status: criteria provided, single submitter. Criteria: ACMG Guidelines, 2015. Collection method: clinical testing. Allele origin: germline.

Genome-Nilou Lab
Classification: Uncertain significance for Neurofibromatosis, type 1. Last evaluated: 2022-03-15. Review status: criteria provided, single submitter. Criteria: ACMG Guidelines, 2015. Collection method: clinical testing. Allele origin: germline. Affected: no.

Institute for Clinical Genetics, University Hospital TU Dresden, University Hospital TU Dresden
Classification: Uncertain significance. Last evaluated: 2021-11-03. Review status: criteria provided, single submitter. Criteria: ACMG Guidelines, 2015. Collection method: clinical testing. Allele origin: germline.

Sema4
Classification: Uncertain significance for Hereditary cancer-predisposing syndrome. Last evaluated: 2021-08-31. Review status: criteria provided, single submitter. Criteria: Sema4 Curation Guidelines. Collection method: curation. Allele origin: germline.
Comment: The NF1 c.5104C>G (p.Q1702E) variant has been reported in 1 individual with breast cancer in a large dataset of 60,466 women with breast cancer but it was not detected in 53,461 controls (PMID 33471991). This variant observed in 1/21478 chromosomes in the Finnish European population according to the Genome Aggregation Database (PMID: 32461654). This variant has been reported in ClinVar (Variation ID 825451). Functional studies have not been performed, and in silico predictions of the variant's effect on protein function are inconclusive. The overall evidence is insufficient to meet ACMG/AMP criteria for classifying it as benign or pathogenic. In summary, the clinical significance of this variant is currently uncertain.

Literature cited by the submitters: PubMed 33471991 (cited by Sema4).